The following is an entry in ClinVar:

ClinVar aggregate classification (germline): Uncertain significance (1 of 4 stars; one submission).

Conditions:
Hereditary cancer-predisposing syndrome. Also called: Tumor predisposition; Hereditary Cancer Syndrome; Hereditary neoplastic syndrome; Neoplastic Syndromes, Hereditary. Identifiers: Orphanet 140162, MedGen C0027672, MeSH D009386, MONDO:0015356.

Submission:

Ambry Genetics
Classification: Uncertain significance for Hereditary cancer-predisposing syndrome. Last evaluated: 2024-06-03. Review status: criteria provided, single submitter. Criteria: Ambry Variant Classification Scheme 2023. Collection method: clinical testing. Allele origin: germline.
Comment: The p.H95Q variant (also known as c.285C>A), located in coding exon 3 of the NF2 gene, results from a C to A substitution at nucleotide position 285. The histidine at codon 95 is replaced by glutamine, an amino acid with highly similar properties. This amino acid position is conserved. In addition, this alteration is predicted to be tolerated by in silico analysis. Based on the available evidence, the clinical significance of this variant remains unclear.

NM_000268.4(NF2):c.285C>A (p.His95Gln)

Gene: NF2 (NF2, moesin-ezrin-radixin like (MERLIN) tumor suppressor; plus strand). Cytogenetic location: 22q12.2.
Variant type: single nucleotide variant.
Coding change: c.285C>A on transcript NM_000268.4 (MANE Select); coding-DNA position 285, C replaced by A.
Protein change: p.His95Gln; replaces histidine 95 with glutamine.
Molecular consequence: missense variant. On other transcripts: 5 prime UTR variant (1), intron variant (8).
Genome position (GRCh38, 1-based): chr22:29,639,134, C>A. VCF-style: chr22-29639134-C-A. GRCh37 (hg19) VCF-style: chr22-30035123-C-A.
Other names: c.171C>A, p.His57Gln (NM_001407053.1, NM_001407056.1); c.159C>A, p.His53Gln (NM_001407055.1, NM_181828.3); c.285C>A, p.His95Gln (NM_001407057.1, NM_001407059.1, NM_001407060.1 and 5 more transcripts); c.-356C>A (NM_001407065.1); c.54C>A, p.His18Gln (NM_001407067.1); c.240+2258C>A (NM_001407058.1, NM_181829.3, NM_001407054.1 and 1 more transcripts); c.115-3068C>A (NM_001407063.1, NM_181830.3, NM_001407064.1 and 1 more transcripts); short protein forms H53Q, H95Q, H18Q, H57Q.
Identifiers: ClinVar variation 3299442 (VCV003299442.1).